The following is an entry in ClinVar:

ClinVar aggregate classification (germline): Conflicting classifications of pathogenicity. Review status: criteria provided, conflicting classifications (1 of 4 stars). 5 submissions from 5 submitters: Uncertain significance (1); Likely benign (3). 1 of the submissions does not count toward it. Last evaluated 2026-02-27.

Conditions:
Mucopolysaccharidosis, MPS-III-C (MPS3C). Also called: MUCOPOLYSACCHARIDOSIS, TYPE IIIC; mucopolysaccharidosis type 3C; SANFILIPPO SYNDROME C; MPS III C; MPS IIIC (Sanfilippo Syndrome Type C); Mucopolysaccharidosis type IIIC (Sanfilippo C). Identifiers: Orphanet 581, Orphanet 79271, MedGen C0086649, MONDO:0009657, OMIM 252930.
Retinitis pigmentosa 73 (RP73). Identifiers: Orphanet 791, MedGen C4225287, MONDO:0014687, OMIM 616544.
HGSNAT-related disorder. Also called: HGSNAT-related condition.

Allele frequency attached by ClinVar (database versions not stated): gnomAD 0.00008 and 0.00009; gnomAD exomes 0.00013; ExAC 0.00028; TOPMed 0.00008.
gnomAD v4.1: 275 of 1,590,436 alleles (0.017%); highest among the groups gnomAD compares: Non-Finnish European, 0.021%; 1 homozygote.

Submissions (5):

PreventionGenetics, part of Exact Sciences
Classification: Likely benign for HGSNAT-related condition. Last evaluated: 2026-02-27. Review status: criteria provided, single submitter. Criteria: ACMG Guidelines, 2015. Collection method: clinical testing. Allele origin: germline.
Comment: This variant is classified as likely benign based on ACMG/AMP sequence variant interpretation guidelines (Richards et al. 2015 PMID: 25741868, with internal and published modifications).

Labcorp Genetics (formerly Invitae), Labcorp
Classification: Likely benign for Retinitis pigmentosa 73; Mucopolysaccharidosis, MPS-III-C. Last evaluated: 2026-01-16. Review status: criteria provided, single submitter. Criteria: Invitae Variant Classification Sherloc (09022015). Collection method: clinical testing. Allele origin: germline.

Blueprint Genetics
Classification: Likely benign. Last evaluated: 2023-12-06. Review status: criteria provided, single submitter. Criteria: ACMG Guidelines, 2015. Collection method: clinical testing. Allele origin: germline.

Illumina Laboratory Services, Illumina
Classification: Uncertain significance for Mucopolysaccharidosis, MPS-III-C. Last evaluated: 2018-01-13. Review status: criteria provided, single submitter. Criteria: ICSL Variant Classification Criteria 13 December 2019. Collection method: clinical testing. Allele origin: germline.

Natera, Inc.
Classification: Likely benign for Mucopolysaccharidosis type IIIC. Last evaluated: 2020-01-17. Review status: no assertion criteria provided. Collection method: clinical testing. Allele origin: germline. Not counted in ClinVar's aggregate classification.

NM_152419.3(HGSNAT):c.741G>A (p.Arg247=)

Gene: HGSNAT (heparan-alpha-glucosaminide N-acetyltransferase; plus strand). Cytogenetic location: 8p11.21.
Variant type: single nucleotide variant.
Coding change: c.741G>A on transcript NM_152419.3 (MANE Select); coding-DNA position 741, G replaced by A.
Protein change: p.Arg247=; no amino-acid change (arginine 247 retained).
Molecular consequence: synonymous variant. On other transcripts: 5 prime UTR variant (1).
Genome position (GRCh38, 1-based): chr8:43,170,692, G>A. VCF-style: chr8-43170692-G-A. GRCh37 (hg19) VCF-style: chr8-43025835-G-A.
Other names: c.741G>A, p.Arg247= (NM_001363227.2, NM_001363228.2); c.-93G>A (NM_001363229.2).
Identifiers: ClinVar variation 726902 (VCV000726902.20), dbSNP rs775663094, ClinGen allele CA4736598.